The following is an entry in ClinVar:

ClinVar aggregate classification (germline): Uncertain significance (1 of 4 stars; one submission).

Conditions:
Leigh syndrome (NULS). Also called: Leigh's necrotizing encephalopathy; Leigh's disease; Leigh Syndrome (mtDNA deletion); Leigh Disease; Subacute necrotizing encephalopathy; Necrotizing encephalopathy infantile subacute of Leigh. Identifiers: Orphanet 506, MedGen C2931891, MONDO:0009723, OMIM 256000.

Submission:

Wong Mito Lab, Molecular and Human Genetics, Baylor College of Medicine
Classification: Uncertain significance for Leigh syndrome. Last evaluated: 2019-10-17. Review status: criteria provided, single submitter. Criteria: Modified ACMG Guidelines (Unpublished). Collection method: clinical testing. Allele origin: germline.
Comment: The NC_012920.1:m.9685T>C (YP_003024032.1:p.Ile160Thr) variant in MTCO3 gene is interpretated to be a Uncertain Significance variant based on the modified ACMG guidelines (unpublished). This variant meets the following evidence codes: PP6, BP4

NC_012920.1(MT-CO3):m.9685T>C

Gene: MT-CO3 (mitochondrially encoded cytochrome c oxidase III; plus strand).
Variant type: single nucleotide variant.
Genome position: chrM-9685-T-C.
Identifiers: ClinVar variation 693206 (VCV000693206.1), dbSNP rs1556423710, ClinGen allele CA414803485.